The following is an entry in ClinVar:

NM_022041.4(GAN):c.1086+71C>T

Gene: GAN (gigaxonin; plus strand). Cytogenetic location: 16q23.2.
Variant type: single nucleotide variant.
Coding change: c.1086+71C>T on transcript NM_022041.4 (MANE Select); 71 bases into the intron after coding-DNA position 1086, C replaced by T.
Molecular consequence: intron variant.
Genome position (GRCh38, 1-based): chr16:81,362,682, C>T. VCF-style: chr16-81362682-C-T. GRCh37 (hg19) VCF-style: chr16-81396287-C-T.
Other names: c.447+71C>T (NM_001377486.1).
Identifiers: ClinVar variation 637432 (VCV000637432.4), dbSNP rs12448327, ClinGen allele CA14253710.

ClinVar aggregate classification (germline): Benign. Review status: criteria provided, multiple submitters, no conflicts (2 of 4 stars). 4 submissions from 4 submitters: Benign (2). 2 of the submissions do not count toward it. Last evaluated 2018-06-14.

Conditions:
Giant axonal neuropathy 1 (GAN1). Also called: GIANT AXONAL NEUROPATHY 1, AUTOSOMAL RECESSIVE; GAN-Related Neurodegeneration. Identifiers: Orphanet 643, MedGen C1850386, MONDO:0009749, OMIM 256850.

Allele frequency attached by ClinVar (database versions not stated): 1000 Genomes Project 0.10843; 1000 Genomes Project 30x 0.10978; TOPMed 0.17330; gnomAD 0.18756.
gnomAD v4.1: 195,236 of 889,268 alleles (22%); highest among the groups gnomAD compares: Non-Finnish European, 27%; 24,768 homozygotes.

Submissions (4):

GeneDx
Classification: Benign. Last evaluated: 2018-06-14. Review status: criteria provided, single submitter. Criteria: GeneDx Variant Classification (06012015). Collection method: clinical testing. Allele origin: germline. Affected: yes.
Comment: This variant is considered likely benign or benign based on one or more of the following criteria: it is a conservative change, it occurs at a poorly conserved position in the protein, it is predicted to be benign by multiple in silico algorithms, and/or has population frequency not consistent with disease.

Breakthrough Genomics
Classification: Benign. Review status: criteria provided, single submitter. Criteria: ACMG Guidelines, 2015. Collection method: not provided. Allele origin: germline. Inheritance: Autosomal recessive inheritance. Affected: yes.

Inherited Neuropathy Consortium Ii, University Of Miami
Classification: Uncertain significance for Giant axonal neuropathy 1. Last evaluated: 2020-12-22. Review status: no assertion criteria provided. Collection method: literature only. Allele origin: germline. Affected: yes. Not counted in ClinVar's aggregate classification.

Inherited Neuropathy Consortium
Classification: Benign. Review status: no assertion criteria provided. Collection method: literature only. Allele origin: germline. Affected: yes. Not counted in ClinVar's aggregate classification.

Literature cited by the submitters: PubMed 11062483 (cited by Inherited Neuropathy Consortium Ii, University Of Miami and Inherited Neuropathy Consortium).